The following is an entry in ClinVar:

NM_006005.3(WFS1):c.907C>A (p.Leu303Met)

Gene: WFS1 (wolframin ER transmembrane glycoprotein; plus strand). Cytogenetic location: 4p16.1.
Variant type: single nucleotide variant.
Coding change: c.907C>A on transcript NM_006005.3 (MANE Select); coding-DNA position 907, C replaced by A.
Protein change: p.Leu303Met; replaces leucine 303 with methionine.
Molecular consequence: missense variant.
Genome position (GRCh38, 1-based): chr4:6,300,702, C>A. VCF-style: chr4-6300702-C-A. GRCh37 (hg19) VCF-style: chr4-6302429-C-A.
Other names: c.907C>A, p.Leu303Met (NM_001145853.1); short protein forms L303M.
Identifiers: ClinVar variation 1320696 (VCV001320696.7), dbSNP rs752256328, ClinGen allele CA2839147.

ClinVar aggregate classification (germline): Uncertain significance. Review status: criteria provided, multiple submitters, no conflicts (2 of 4 stars). 2 submissions from 2 submitters: Uncertain significance (2). Last evaluated 2021-09-26.

Allele frequency attached by ClinVar (database versions not stated): TOPMed below 0.00001; ExAC 0.00001; gnomAD 0.00001.
gnomAD v4.1: 23 of 1,613,980 alleles (0.0014%); highest among the groups gnomAD compares: Non-Finnish European, 0.0018%; no homozygotes.

Submissions (2):

Labcorp Genetics (formerly Invitae), Labcorp
Classification: Uncertain significance. Last evaluated: 2021-09-26. Review status: criteria provided, single submitter. Criteria: Invitae Variant Classification Sherloc (09022015). Collection method: clinical testing. Allele origin: germline.
Comment: This variant has not been reported in the literature in individuals affected with WFS1-related conditions. In summary, the available evidence is currently insufficient to determine the role of this variant in disease. Therefore, it has been classified as a Variant of Uncertain Significance. Advanced modeling of protein sequence and biophysical properties (such as structural, functional, and spatial information, amino acid conservation, physicochemical variation, residue mobility, and thermodynamic stability) performed at Invitae indicates that this missense variant is expected to disrupt WFS1 protein function. This variant is present in population databases (rs752256328, ExAC 0.001%). This sequence change replaces leucine with methionine at codon 303 of the WFS1 protein (p.Leu303Met). The leucine residue is highly conserved and there is a small physicochemical difference between leucine and methionine.

GeneDx
Classification: Uncertain significance. Last evaluated: 2021-01-13. Review status: criteria provided, single submitter. Criteria: GeneDx Variant Classification Process June 2021. Collection method: clinical testing. Allele origin: germline. Affected: yes.
Comment: Not observed at a significant frequency in large population cohorts (Lek et al., 2016); In silico analysis supports that this missense variant does not alter protein structure/function; Has not been previously published as pathogenic or benign to our knowledge